The following is an entry in ClinVar:

NM_024685.4(BBS10):c.1437A>G (p.Ala479=)

Gene: BBS10 (Bardet-Biedl syndrome 10; minus strand). Cytogenetic location: 12q21.2.
Variant type: single nucleotide variant.
Coding change: c.1437A>G on transcript NM_024685.4 (MANE Select); coding-DNA position 1437, A replaced by G.
Protein change: p.Ala479=; no amino-acid change (alanine 479 retained).
Molecular consequence: synonymous variant.
Genome position (GRCh38, 1-based): chr12:76,346,548, T>C on the plus strand (A>G on the coding strand, the complement: BBS10 is on the minus strand). VCF-style: chr12-76346548-T-C. GRCh37 (hg19) VCF-style: chr12-76740328-T-C.
Identifiers: ClinVar variation 700667 (VCV000700667.11), dbSNP rs201701959, ClinGen allele CA6694172.

ClinVar aggregate classification (germline): Likely benign. Review status: criteria provided, multiple submitters, no conflicts (2 of 4 stars). 3 submissions from 3 submitters: Likely benign (2). 1 of the submissions does not count toward it. Last evaluated 2024-01-28.

Conditions:
BBS10-related disorder. Also called: BBS10-related condition.
Bardet-Biedl syndrome (BBS). Identifiers: Orphanet 110, MedGen C0752166, MONDO:0015229.

Allele frequency attached by ClinVar (database versions not stated): ExAC 0.00001; gnomAD exomes 0.00001; TOPMed 0.00001; gnomAD 0.00002.
gnomAD v4.1: 24 of 1,614,032 alleles (0.0015%); highest among the groups gnomAD compares: Non-Finnish European, 0.0019%; no homozygotes.

Submissions (3):

Labcorp Genetics (formerly Invitae), Labcorp
Classification: Likely benign for Bardet-Biedl syndrome. Last evaluated: 2024-01-28. Review status: criteria provided, single submitter. Criteria: Invitae Variant Classification Sherloc (09022015). Collection method: clinical testing. Allele origin: germline.

Blueprint Genetics
Classification: Likely benign. Last evaluated: 2023-11-06. Review status: criteria provided, single submitter. Criteria: ACMG Guidelines, 2015. Collection method: clinical testing. Allele origin: germline.

PreventionGenetics, part of Exact Sciences
Classification: Likely benign for BBS10-related condition. Last evaluated: 2024-02-02. Review status: no assertion criteria provided. Collection method: clinical testing. Allele origin: germline. Not counted in ClinVar's aggregate classification.
Comment: This variant is classified as likely benign based on ACMG/AMP sequence variant interpretation guidelines (Richards et al. 2015 PMID: 25741868, with internal and published modifications).